The following is an entry in ClinVar:

ClinVar aggregate classification (germline): Uncertain significance (1 of 4 stars; one submission).

gnomAD v4.1: 5 of 1,614,180 alleles (0.00031%); highest among the groups gnomAD compares: East Asian, 0.0022%; no homozygotes.

Submission:

Labcorp Genetics (formerly Invitae), Labcorp
Classification: Uncertain significance. Last evaluated: 2025-03-13. Review status: criteria provided, single submitter. Criteria: Invitae Variant Classification Sherloc (09022015). Collection method: clinical testing. Allele origin: germline.
Comment: This sequence change replaces isoleucine, which is neutral and non-polar, with threonine, which is neutral and polar, at codon 22 of the PAX4 protein (p.Ile22Thr). This variant is not present in population databases (gnomAD no frequency). This variant has not been reported in the literature in individuals affected with PAX4-related conditions. An algorithm developed to predict the effect of missense changes on protein structure and function (PolyPhen-2) suggests that this variant is likely to be disruptive. In summary, the available evidence is currently insufficient to determine the role of this variant in disease. Therefore, it has been classified as a Variant of Uncertain Significance.

NM_001366110.1(PAX4):c.89T>C (p.Ile30Thr)

Gene: PAX4 (paired box 4; minus strand). Cytogenetic location: 7q32.1.
Variant type: single nucleotide variant.
Coding change: c.89T>C on transcript NM_001366110.1 (MANE Select); coding-DNA position 89, T replaced by C.
Protein change: p.Ile30Thr; replaces isoleucine 30 with threonine.
Molecular consequence: missense variant.
Genome position (GRCh38, 1-based): chr7:127,615,456, A>G on the plus strand (T>C on the coding strand, the complement: PAX4 is on the minus strand). VCF-style: chr7-127615456-A-G. GRCh37 (hg19) VCF-style: chr7-127255510-A-G.
Other names: c.89T>C, p.Ile30Thr (NM_001366111.1); short protein forms I30T.
Identifiers: ClinVar variation 4765077 (VCV004765077.1).